The following is an entry in ClinVar:

ClinVar aggregate classification (germline): Pathogenic (1 of 4 stars; one submission).

Conditions:
Aicardi-Goutieres syndrome 4. Identifiers: Orphanet 51, MedGen C1835912, MONDO:0012472, OMIM 610333.

Submission:

Labcorp Genetics (formerly Invitae), Labcorp
Classification: Pathogenic for Aicardi-Goutieres syndrome 4. Last evaluated: 2025-04-19. Review status: criteria provided, single submitter. Criteria: Invitae Variant Classification Sherloc (09022015). Collection method: clinical testing. Allele origin: germline.
Comment: This sequence change creates a premature translational stop signal (p.Thr136Serfs*27) in the RNASEH2A gene. It is expected to result in an absent or disrupted protein product. Loss-of-function variants in RNASEH2A are known to be pathogenic (PMID: 21454563, 25274781). This variant is not present in population databases (gnomAD no frequency). This variant has not been reported in the literature in individuals affected with RNASEH2A-related conditions. For these reasons, this variant has been classified as Pathogenic.

Literature cited by the submitters: PubMed 21454563; PubMed 25274781.

NM_006397.3(RNASEH2A):c.403_406dup (p.Thr136fs)

Gene: RNASEH2A (ribonuclease H2 subunit A; plus strand). Cytogenetic location: 19p13.13.
Variant type: Duplication.
Coding change: c.403_406dup on transcript NM_006397.3 (MANE Select); coding-DNA positions 403 to 406, 4 bases duplicated (GTCA; older notation c.403_406dupGTCA).
Protein change: p.Thr136fs; shifts the reading frame from threonine 136.
Molecular consequence: frameshift variant.
Genome position (GRCh38, 1-based): chr19:12,807,498-12,807,501, GTCA duplicated. VCF-style (leftmost placement, unchanged base first): chr19-12807497-C-CGTCA. GRCh37 (hg19) VCF-style: chr19-12918311-C-CGTCA.
Other names: short protein forms T136fs.
Identifiers: ClinVar variation 4717679 (VCV004717679.1).
Genomic context (GRCh38, chr19:12,807,497, plus strand): 5'-CTCCCTGTCACATGATACAGCCACTGGGCTTATACAGTATGCATTGGACCAGGGCGTGAA[C>CGTCA]GTCACCCAGGTGAGTTAACTGTAAGTTGTCCCCATTTGGTCATCTCAGGATAAAATGGGG-3'